The following is an entry in ClinVar:

NM_003900.5(SQSTM1):c.824G>A (p.Ser275Asn)

Gene: SQSTM1 (sequestosome 1; plus strand). Cytogenetic location: 5q35.3.
Variant type: single nucleotide variant.
Coding change: c.824G>A on transcript NM_003900.5 (MANE Select); coding-DNA position 824, G replaced by A.
Protein change: p.Ser275Asn; replaces serine 275 with asparagine.
Molecular consequence: missense variant.
Genome position (GRCh38, 1-based): chr5:179,833,101, G>A. VCF-style: chr5-179833101-G-A. GRCh37 (hg19) VCF-style: chr5-179260101-G-A.
Other names: p.Ser275Asn; c.572G>A, p.Ser191Asn (NM_001142298.2, NM_001142299.2); short protein forms S191N, S275N.
Identifiers: ClinVar variation 1208587 (VCV001208587.14), dbSNP rs201923000, ClinGen allele CA3600700.

ClinVar aggregate classification (germline): Conflicting classifications of pathogenicity. Review status: criteria provided, conflicting classifications (1 of 4 stars). 6 submissions from 6 submitters: Uncertain significance (5); Likely benign (1). Last evaluated 2026-02-03.

Conditions:
Paget disease of bone 2, early-onset (PDB2). Also called: Paget disease of bone 2. Identifiers: MedGen C4085251, MONDO:0011183, OMIM 602080.
Frontotemporal dementia and/or amyotrophic lateral sclerosis 1 (FTDALS1). Also called: Frontotemporal dementia with motor neuron disease 1; C9orf72 Frontotemporal Dementia and/or Amyotrophic Lateral Sclerosis. Identifiers: Orphanet 275872, MedGen C5779877, MONDO:0007105, OMIM 105550.
SQSTM1-related disorder. Also called: SQSTM1-Related Disorders.
Inborn genetic diseases. Identifiers: MedGen C0950123, MeSH D030342.

Allele frequency attached by ClinVar (database versions not stated): gnomAD exomes 0.00007 and 0.00012; ESP Exome Variant Server 0.00008; gnomAD 0.00009 and 0.00011; 1000 Genomes Project 30x 0.00016; ExAC 0.00017; 1000 Genomes Project 0.00020.
gnomAD v4.1: 115 of 1,614,244 alleles (0.0071%); highest among the groups gnomAD compares: Middle Eastern, 0.033%; no homozygotes.

Submissions (6):

Labcorp Genetics (formerly Invitae), Labcorp
Classification: Uncertain significance for Paget disease of bone 2, early-onset; Frontotemporal dementia and/or amyotrophic lateral sclerosis 1. Last evaluated: 2026-02-03. Review status: criteria provided, single submitter. Criteria: Invitae Variant Classification Sherloc (09022015). Collection method: clinical testing. Allele origin: germline.
Comment: This sequence change replaces serine, which is neutral and polar, with asparagine, which is neutral and polar, at codon 275 of the SQSTM1 protein (p.Ser275Asn). This variant is present in population databases (rs201923000, gnomAD 0.03%). This missense change has been observed in individual(s) with amyotrophic lateral sclerosis (PMID: 26601740). ClinVar contains an entry for this variant (Variation ID: 1208587). Invitae Evidence Modeling of protein sequence and biophysical properties (such as structural, functional, and spatial information, amino acid conservation, physicochemical variation, residue mobility, and thermodynamic stability) indicates that this missense variant is not expected to disrupt SQSTM1 protein function with a negative predictive value of 80%. In summary, the available evidence is currently insufficient to determine the role of this variant in disease. Therefore, it has been classified as a Variant of Uncertain Significance.

Mayo Clinic Laboratories, Mayo Clinic
Classification: Uncertain significance. Last evaluated: 2025-12-12. Review status: criteria provided, single submitter. Criteria: ACMG Guidelines, 2015. Collection method: clinical testing. Allele origin: germline. Observed: 3 variant alleles.
Comment: BP4_moderate

PreventionGenetics, part of Exact Sciences
Classification: Uncertain significance for SQSTM1-related condition. Last evaluated: 2025-06-05. Review status: criteria provided, single submitter. Criteria: ACMG Guidelines, 2015. Collection method: clinical testing. Allele origin: germline.
Comment: The SQSTM1 c.824G>A variant is predicted to result in the amino acid substitution p.Ser275Asn. This variant has been reported in a patient with amyotrophic lateral sclerosis and was interpreted as a variant of uncertain significance (Kim et al. 2016. PubMed ID: 26601740). This variant is reported in 0.026% of alleles in individuals of European (Non-Finnish) descent in gnomAD. Although we suspect that this variant may be benign, at this time, the clinical significance of this variant is uncertain due to the absence of conclusive functional and genetic evidence.

Laboratory of Genetics, Children's Clinical University Hospital Latvia
Classification: Likely benign. Last evaluated: 2025-02-16. Review status: criteria provided, single submitter. Criteria: ACMG Guidelines, 2015. Collection method: clinical testing. Allele origin: germline. Affected: yes.

Ambry Genetics
Classification: Uncertain significance for Inborn genetic diseases. Last evaluated: 2022-07-19. Review status: criteria provided, single submitter. Criteria: Ambry Variant Classification Scheme 2023. Collection method: clinical testing. Allele origin: germline.
Comment: Unlikely to be causative of Paget disease of bone (AD) and SQSTM1-related frontotemporal dementia/amyotrophic lateral sclerosis (AD). Based on insufficient or conflicting evidence, the clinical significance of this alteration remains unclear.

GeneDx
Classification: Uncertain significance. Last evaluated: 2020-10-08. Review status: criteria provided, single submitter. Criteria: GeneDx Variant Classification Process June 2021. Collection method: clinical testing. Allele origin: germline. Affected: yes.
Comment: In silico analysis, which includes protein predictors and evolutionary conservation, supports that this variant does not alter protein structure/function; Has not been previously published as pathogenic or benign to our knowledge; This variant is associated with the following publications: (PMID: 26601740)

Literature cited by the submitters: PubMed 26601740 (cited by 3 submitters).